The following is an entry in ClinVar:

NM_000701.8(ATP1A1):c.2867T>A (p.Phe956Tyr)

Genes: ATP1A1 (ATPase Na+/K+ transporting subunit alpha 1; plus strand), ATP1A1-AS1 (ATP1A1 antisense RNA 1; minus strand). Cytogenetic location: 1p13.1.
Variant type: single nucleotide variant.
Coding change: c.2867T>A on transcript NM_000701.8 (MANE Select); coding-DNA position 2867, T replaced by A.
Protein change: p.Phe956Tyr; replaces phenylalanine 956 with tyrosine.
Molecular consequence: missense variant.
Genome position (GRCh38, 1-based): chr1:116,401,571, T>A. VCF-style: chr1-116401571-T-A. GRCh37 (hg19) VCF-style: chr1-116944193-T-A.
Other names: c.2867T>A, p.Phe956Tyr (NM_001160233.2); c.2774T>A, p.Phe925Tyr (NM_001160234.2); short protein forms F925Y, F956Y.
Identifiers: ClinVar variation 2323527 (VCV002323527.5), dbSNP rs2525895767, ClinGen allele CA341775871.

ClinVar aggregate classification (germline): Uncertain significance. Review status: criteria provided, multiple submitters, no conflicts (2 of 4 stars). 2 submissions from 2 submitters: Uncertain significance (2). Last evaluated 2023-02-03.

Conditions:
Inborn genetic diseases. Identifiers: MedGen C0950123, MeSH D030342.

Submissions (2):

Labcorp Genetics (formerly Invitae), Labcorp
Classification: Uncertain significance. Last evaluated: 2023-02-03. Review status: criteria provided, single submitter. Criteria: Invitae Variant Classification Sherloc (09022015). Collection method: clinical testing. Allele origin: germline.
Comment: In summary, the available evidence is currently insufficient to determine the role of this variant in disease. Therefore, it has been classified as a Variant of Uncertain Significance. Advanced modeling of protein sequence and biophysical properties (such as structural, functional, and spatial information, amino acid conservation, physicochemical variation, residue mobility, and thermodynamic stability) performed at Invitae indicates that this missense variant is not expected to disrupt ATP1A1 protein function. This variant has not been reported in the literature in individuals affected with ATP1A1-related conditions. This variant is not present in population databases (gnomAD no frequency). This sequence change replaces phenylalanine, which is neutral and non-polar, with tyrosine, which is neutral and polar, at codon 956 of the ATP1A1 protein (p.Phe956Tyr).

Ambry Genetics
Classification: Uncertain significance for Inborn genetic diseases. Last evaluated: 2022-11-07. Review status: criteria provided, single submitter. Criteria: Ambry Variant Classification Scheme 2023. Collection method: clinical testing. Allele origin: germline.